The following is an entry in ClinVar:

ClinVar aggregate classification (germline): Uncertain significance (1 of 4 stars; one submission).

Conditions:
Multiple endocrine neoplasia type 4. Also called: MULTIPLE ENDOCRINE NEOPLASIA, TYPE IV. Identifiers: Orphanet 276152, MedGen C1970712, MONDO:0012552, OMIM 610755.

Submission:

Labcorp Genetics (formerly Invitae), Labcorp
Classification: Uncertain significance for Multiple endocrine neoplasia type 4. Last evaluated: 2022-07-10. Review status: criteria provided, single submitter. Criteria: Invitae Variant Classification Sherloc (09022015). Collection method: clinical testing. Allele origin: germline.
Comment: This sequence change replaces glutamic acid, which is acidic and polar, with glutamine, which is neutral and polar, at codon 46 of the CDKN1B protein (p.Glu46Gln). This variant is not present in population databases (gnomAD no frequency). In summary, the available evidence is currently insufficient to determine the role of this variant in disease. Therefore, it has been classified as a Variant of Uncertain Significance. Algorithms developed to predict the effect of missense changes on protein structure and function are either unavailable or do not agree on the potential impact of this missense change (SIFT: "Deleterious"; PolyPhen-2: "Benign"; Align-GVGD: "Class C0"). This variant has not been reported in the literature in individuals affected with CDKN1B-related conditions.

NM_004064.5(CDKN1B):c.136G>C (p.Glu46Gln)

Gene: CDKN1B (cyclin dependent kinase inhibitor 1B; plus strand). Cytogenetic location: 12p13.1.
Variant type: single nucleotide variant.
Coding change: c.136G>C on transcript NM_004064.5 (MANE Select); coding-DNA position 136, G replaced by C.
Protein change: p.Glu46Gln; replaces glutamic acid 46 with glutamine.
Molecular consequence: missense variant.
Genome position (GRCh38, 1-based): chr12:12,717,975, G>C. VCF-style: chr12-12717975-G-C. GRCh37 (hg19) VCF-style: chr12-12870909-G-C.
Other names: short protein forms E46Q.
Identifiers: ClinVar variation 2015684 (VCV002015684.4), dbSNP rs2497404246, ClinGen allele CA383968891.